The following is an entry in ClinVar:

ClinVar aggregate classification (germline): Uncertain significance (1 of 4 stars; one submission).

Conditions:
Agammaglobulinemia 4, autosomal recessive (AGM4). Also called: B cell linker protein deficiency; AGAMMAGLOBULINEMIA, AUTOSOMAL RECESSIVE, DUE TO BLNK DEFECT. Identifiers: MedGen C3150752, MONDO:0013289, OMIM 613502.

gnomAD v4.1: 1 of 1,613,648 alleles (0.000062%); highest among the groups gnomAD compares: Non-Finnish European, 0.000085%; no homozygotes.

Submission:

Labcorp Genetics (formerly Invitae), Labcorp
Classification: Uncertain significance for Agammaglobulinemia 4, autosomal recessive. Last evaluated: 2019-12-01. Review status: criteria provided, single submitter. Criteria: Invitae Variant Classification Sherloc (09022015). Collection method: clinical testing. Allele origin: germline.
Comment: In summary, the available evidence is currently insufficient to determine the role of this variant in disease. Therefore, it has been classified as a Variant of Uncertain Significance. Algorithms developed to predict the effect of missense changes on protein structure and function are either unavailable or do not agree on the potential impact of this missense change (SIFT: "Deleterious"; PolyPhen-2: "Probably Damaging"; Align-GVGD: "Class C0"). This variant has not been reported in the literature in individuals with BLNK-related conditions. This variant is not present in population databases (ExAC no frequency). This sequence change replaces proline with histidine at codon 309 of the BLNK protein (p.Pro309His). The proline residue is moderately conserved and there is a moderate physicochemical difference between proline and histidine.

NM_013314.4(BLNK):c.926C>A (p.Pro309His)

Genes: BLNK (B cell linker; minus strand), ZNF518A (zinc finger protein 518A; plus strand). Cytogenetic location: 10q24.1.
Variant type: single nucleotide variant.
Coding change: c.926C>A on transcript NM_013314.4 (MANE Select); coding-DNA position 926, C replaced by A.
Protein change: p.Pro309His; replaces proline 309 with histidine.
Molecular consequence: missense variant. On other transcripts: non-coding transcript variant (5).
Genome position (GRCh38, 1-based): chr10:96,204,065, G>T on the plus strand (C>A on the coding strand, the complement: BLNK is on the minus strand). VCF-style: chr10-96204065-G-T. GRCh37 (hg19) VCF-style: chr10-97963821-G-T.
Other names: c.857C>A, p.Pro286His (NM_001114094.2, NM_001258441.2); c.926C>A, p.Pro309His (NM_001258440.2); c.611C>A, p.Pro204His (NM_001258442.2); short protein forms P286H, P309H, P204H.
Identifiers: ClinVar variation 858725 (VCV000858725.9), dbSNP rs1177361907, ClinGen allele CA377719881.
Genomic context (GRCh38, chr10:96,204,065, plus strand): 5'-GGATCCAGCCTCGACCACTCCCTGATACACTACATGGCTTCGTTGTACTTACTTGGCAGA[G>T]GTATGGGTTTTTGGTGGATTTGTCTGCAAGAAAGAATTTCAGATAATTAAAGGACAAAGC-3'
Protein context (NP_037446.1, residues 299-319): AQKQIHQKPI[Pro309His]LPRFTEGGNP